The following is an entry in ClinVar:

ClinVar aggregate classification (germline): Likely benign. Review status: criteria provided, multiple submitters, no conflicts (2 of 4 stars). 3 submissions from 3 submitters: Likely benign (2). 1 of the submissions does not count toward it. Last evaluated 2025-10-22.

Conditions:
TRPM4-related disorder. Also called: TRPM4-related condition; TRPM4-related disorders. Identifiers: MedGen CN239424.
Cardiovascular phenotype. Identifiers: MedGen CN230736.
Progressive familial heart block type IB (PFHB1B). Identifiers: Orphanet 871, MedGen C1970298, MONDO:0011474, OMIM 604559.

Allele frequency attached by ClinVar (database versions not stated): gnomAD 0.00001; gnomAD exomes 0.00001; TOPMed 0.00001.
gnomAD v4.1: 13 of 1,614,010 alleles (0.00081%); highest among the groups gnomAD compares: Non-Finnish European, 0.0011%; no homozygotes.

Submissions (3):

Labcorp Genetics (formerly Invitae), Labcorp
Classification: Likely benign for Progressive familial heart block type IB. Last evaluated: 2025-10-22. Review status: criteria provided, single submitter. Criteria: Invitae Variant Classification Sherloc (09022015). Collection method: clinical testing. Allele origin: germline.

Ambry Genetics
Classification: Likely benign for Cardiovascular phenotype. Last evaluated: 2020-07-06. Review status: criteria provided, single submitter. Criteria: Ambry Variant Classification Scheme 2023. Collection method: clinical testing. Allele origin: germline.

PreventionGenetics, part of Exact Sciences
Classification: Likely benign for TRPM4-related condition. Last evaluated: 2019-06-12. Review status: no assertion criteria provided. Collection method: clinical testing. Allele origin: germline. Not counted in ClinVar's aggregate classification.
Comment: This variant is classified as likely benign based on ACMG/AMP sequence variant interpretation guidelines (Richards et al. 2015 PMID: 25741868, with internal and published modifications).

NM_017636.4(TRPM4):c.846G>A (p.Glu282=)

Gene: TRPM4 (transient receptor potential cation channel subfamily M member 4; plus strand). Cytogenetic location: 19q13.33.
Variant type: single nucleotide variant.
Coding change: c.846G>A on transcript NM_017636.4 (MANE Select); coding-DNA position 846, G replaced by A.
Protein change: p.Glu282=; no amino-acid change (glutamic acid 282 retained).
Molecular consequence: synonymous variant. On other transcripts: 5 prime UTR variant (2).
Genome position (GRCh38, 1-based): chr19:49,171,406, G>A. VCF-style: chr19-49171406-G-A. GRCh37 (hg19) VCF-style: chr19-49674663-G-A.
Other names: c.846G>A, p.Glu282= (NM_001195227.2); c.501G>A, p.Glu167= (NM_001321281.2); c.-708G>A (NM_001321282.2); c.324G>A, p.Glu108= (NM_001321283.2); c.-4G>A (NM_001321285.2).
Identifiers: ClinVar variation 1763493 (VCV001763493.9), dbSNP rs1216517627, ClinGen allele CA508282249.